The following is an entry in ClinVar:

NM_032806.6(POMGNT2):c.935A>G (p.Gln312Arg)

Gene: POMGNT2 (protein O-linked mannose N-acetylglucosaminyltransferase 2 (beta 1,4-); minus strand). Cytogenetic location: 3p22.1.
Variant type: single nucleotide variant.
Coding change: c.935A>G on transcript NM_032806.6 (MANE Select); coding-DNA position 935, A replaced by G.
Protein change: p.Gln312Arg; replaces glutamine 312 with arginine.
Molecular consequence: missense variant.
Genome position (GRCh38, 1-based): chr3:43,080,497, T>C on the plus strand (A>G on the coding strand, the complement: POMGNT2 is on the minus strand). VCF-style: chr3-43080497-T-C. GRCh37 (hg19) VCF-style: chr3-43121989-T-C.
Other names: c.935A>G (NM_032806.4); short protein forms Q312R.
Identifiers: ClinVar variation 540485 (VCV000540485.3), dbSNP rs375879947, ClinGen allele CA2339964.

ClinVar aggregate classification (germline): Uncertain significance. Review status: criteria provided, multiple submitters, no conflicts (2 of 4 stars). 2 submissions from 2 submitters: Uncertain significance (2). Last evaluated 2022-10-24.

Conditions:
Inborn genetic diseases. Identifiers: MedGen C0950123, MeSH D030342.
Muscular dystrophy-dystroglycanopathy (congenital with brain and eye anomalies), type a, 8 (MDDGA8). Also called: WALKER-WARBURG SYNDROME OR MUSCLE-EYE-BRAIN DISEASE, GTDC2-RELATED. Identifiers: Orphanet 899, MedGen C3553813, MONDO:0013904, OMIM 614830.

Allele frequency attached by ClinVar (database versions not stated): ExAC 0.00005; gnomAD exomes 0.00005; TOPMed 0.00005; ESP Exome Variant Server 0.00008; gnomAD 0.00009.
gnomAD v4.1: 261 of 1,614,102 alleles (0.016%); highest among the groups gnomAD compares: Non-Finnish European, 0.021%; no homozygotes.

Submissions (2):

Labcorp Genetics (formerly Invitae), Labcorp
Classification: Uncertain significance for Muscular dystrophy-dystroglycanopathy (congenital with brain and eye anomalies), type a, 8. Last evaluated: 2022-10-24. Review status: criteria provided, single submitter. Criteria: Invitae Variant Classification Sherloc (09022015). Collection method: clinical testing. Allele origin: germline.
Comment: This sequence change replaces glutamine, which is neutral and polar, with arginine, which is basic and polar, at codon 312 of the POMGNT2 protein (p.Gln312Arg). This variant is present in population databases (rs375879947, gnomAD 0.01%). This variant has not been reported in the literature in individuals affected with POMGNT2-related conditions. ClinVar contains an entry for this variant (Variation ID: 540485). Advanced modeling of protein sequence and biophysical properties (such as structural, functional, and spatial information, amino acid conservation, physicochemical variation, residue mobility, and thermodynamic stability) performed at Invitae indicates that this missense variant is not expected to disrupt POMGNT2 protein function. In summary, the available evidence is currently insufficient to determine the role of this variant in disease. Therefore, it has been classified as a Variant of Uncertain Significance.

Ambry Genetics
Classification: Uncertain significance for Inborn genetic diseases. Last evaluated: 2021-07-13. Review status: criteria provided, single submitter. Criteria: Ambry Variant Classification Scheme 2023. Collection method: clinical testing. Allele origin: germline.